The following is an entry in ClinVar:

ClinVar aggregate classification (germline): Uncertain significance (1 of 4 stars; one submission).

Conditions:
Familial adenomatous polyposis 1 (FAP1). Also called: FAMILIAL ADENOMATOUS POLYPOSIS 1, ATTENUATED; POLYPOSIS, ADENOMATOUS INTESTINAL. Identifiers: MedGen C2713442, MONDO:0021056, OMIM 175100. Disease mechanism: loss of function.

Submission:

Labcorp Genetics (formerly Invitae), Labcorp
Classification: Uncertain significance for Familial adenomatous polyposis 1. Last evaluated: 2024-07-17. Review status: criteria provided, single submitter. Criteria: Invitae Variant Classification Sherloc (09022015). Collection method: clinical testing. Allele origin: germline.
Comment: This variant occurs in a non-coding region of the APC gene. It does not change the encoded amino acid sequence of the APC protein. This variant is not present in population databases (gnomAD no frequency). This variant has not been reported in the literature in individuals affected with APC-related conditions. Experimental studies and prediction algorithms are not available or were not evaluated, and the functional significance of this variant is currently unknown. In summary, the available evidence is currently insufficient to determine the role of this variant in disease. Therefore, it has been classified as a Variant of Uncertain Significance.

NC_000005.10:g.112707330_112707332del

Gene: APC (APC regulator of Wnt signaling pathway; plus strand). Cytogenetic location: 5q22.2.
Variant type: Deletion.
Genome position: GRCh38 VCF-style: chr5-112707327-GAGA-G. GRCh37 (hg19) VCF-style: chr5-112043024-GAGA-G.
Identifiers: ClinVar variation 1345198 (VCV001345198.6), dbSNP rs2149627949, ClinGen allele CA2573138734.